The following is an entry in ClinVar:

ClinVar aggregate classification (germline): Uncertain significance (1 of 4 stars; one submission).

Conditions:
Alzheimer disease 4 (AD4). Identifiers: Orphanet 1020, MedGen C1847200, MONDO:0011743, OMIM 606889.

Submission:

Labcorp Genetics (formerly Invitae), Labcorp
Classification: Uncertain significance for Alzheimer disease 4. Last evaluated: 2021-09-10. Review status: criteria provided, single submitter. Criteria: Invitae Variant Classification Sherloc (09022015). Collection method: clinical testing. Allele origin: germline.
Comment: This sequence change replaces glycine with glutamic acid at codon 349 of the PSEN2 protein (p.Gly349Glu). The glycine residue is weakly conserved and there is a moderate physicochemical difference between glycine and glutamic acid. This variant is not present in population databases (ExAC no frequency). This variant has not been reported in the literature in individuals affected with PSEN2-related conditions. Algorithms developed to predict the effect of missense changes on protein structure and function (SIFT, PolyPhen-2, Align-GVGD) all suggest that this variant is likely to be tolerated. In summary, the available evidence is currently insufficient to determine the role of this variant in disease. Therefore, it has been classified as a Variant of Uncertain Significance.

NM_000447.3(PSEN2):c.1046G>A (p.Gly349Glu)

Gene: PSEN2 (presenilin 2; plus strand). Cytogenetic location: 1q42.13.
Variant type: single nucleotide variant.
Coding change: c.1046G>A on transcript NM_000447.3 (MANE Select); coding-DNA position 1046, G replaced by A.
Protein change: p.Gly349Glu; replaces glycine 349 with glutamic acid.
Molecular consequence: missense variant.
Genome position (GRCh38, 1-based): chr1:226,891,818, G>A. VCF-style: chr1-226891818-G-A. GRCh37 (hg19) VCF-style: chr1-227079519-G-A.
Other names: c.1043G>A, p.Gly348Glu (NM_012486.3); short protein forms G348E, G349E.
Identifiers: ClinVar variation 1476919 (VCV001476919.6), dbSNP rs2102690580, ClinGen allele CA345043434.